The following is an entry in ClinVar:

ClinVar aggregate classification (germline): Uncertain significance. Review status: criteria provided, multiple submitters, no conflicts (2 of 4 stars). 2 submissions from 2 submitters: Uncertain significance (2). Last evaluated 2025-03-05.

Conditions:
Inborn genetic diseases. Identifiers: MedGen C0950123, MeSH D030342.
Brachyolmia-amelogenesis imperfecta syndrome. Also called: PLATYSPONDYLY WITH AMELOGENESIS IMPERFECTA; Tooth agenesis, selective, 6; Dental anomalies and short stature. Identifiers: Orphanet 2899, MedGen C1832594, MONDO:0011018, OMIM 601216. Disease mechanism: loss of function.

Allele frequency attached by ClinVar (database versions not stated): gnomAD 0.00002; gnomAD exomes 0.00002; TOPMed 0.00002; ExAC 0.00004.

Submissions (2):

Labcorp Genetics (formerly Invitae), Labcorp
Classification: Uncertain significance for Brachyolmia-amelogenesis imperfecta syndrome. Last evaluated: 2025-03-05. Review status: criteria provided, single submitter. Criteria: Invitae Variant Classification Sherloc (09022015). Collection method: clinical testing. Allele origin: germline.
Comment: This sequence change replaces alanine, which is neutral and non-polar, with threonine, which is neutral and polar, at codon 339 of the LTBP3 protein (p.Ala339Thr). This variant is present in population databases (rs757124780, gnomAD 0.02%). This variant has not been reported in the literature in individuals affected with LTBP3-related conditions. ClinVar contains an entry for this variant (Variation ID: 2057103). An algorithm developed to predict the effect of missense changes on protein structure and function outputs the following: PolyPhen-2: "Benign". The threonine amino acid residue is found in multiple mammalian species, which suggests that this missense change does not adversely affect protein function. In summary, the available evidence is currently insufficient to determine the role of this variant in disease. Therefore, it has been classified as a Variant of Uncertain Significance.

Ambry Genetics
Classification: Uncertain significance for Inborn genetic diseases. Last evaluated: 2024-11-23. Review status: criteria provided, single submitter. Criteria: Ambry Variant Classification Scheme 2023. Collection method: clinical testing. Allele origin: germline.
Comment: The p.A339T variant (also known as c.1015G>A), located in coding exon 5 of the LTBP3 gene, results from a G to A substitution at nucleotide position 1015. The alanine at codon 339 is replaced by threonine, an amino acid with similar properties. This amino acid position is conserved. In addition, this alteration is predicted to be tolerated by in silico analysis. Based on the available evidence, the clinical significance of this variant remains unclear.

NM_001130144.3(LTBP3):c.1015G>A (p.Ala339Thr)

Gene: LTBP3 (latent transforming growth factor beta binding protein 3; minus strand). Cytogenetic location: 11q13.1.
Variant type: single nucleotide variant.
Coding change: c.1015G>A on transcript NM_001130144.3 (MANE Select); coding-DNA position 1015, G replaced by A.
Protein change: p.Ala339Thr; replaces alanine 339 with threonine.
Molecular consequence: missense variant.
Genome position (GRCh38, 1-based): chr11:65,553,212, C>T on the plus strand (G>A on the coding strand, the complement: LTBP3 is on the minus strand). VCF-style: chr11-65553212-C-T. GRCh37 (hg19) VCF-style: chr11-65320683-C-T.
Other names: c.664G>A, p.Ala222Thr (NM_001164266.1); c.1015G>A, p.Ala339Thr (NM_021070.4); c.1015G>A (NM_001130144.2); short protein forms A339T, A222T.
Identifiers: ClinVar variation 2057103 (VCV002057103.5), dbSNP rs757124780, ClinGen allele CA6101097.